The following is an entry in ClinVar:

NM_002693.3(POLG):c.484C>T (p.Leu162=)

Genes: POLG (DNA polymerase gamma, catalytic subunit; minus strand), POLGARF (POLG alternative reading frame; minus strand). Cytogenetic location: 15q26.1.
Variant type: single nucleotide variant.
Coding change: c.484C>T on transcript NM_002693.3 (MANE Select); coding-DNA position 484, C replaced by T.
Protein change: p.Leu162=; no amino-acid change (leucine 162 retained).
Molecular consequence: synonymous variant.
Genome position (GRCh38, 1-based): chr15:89,333,271, G>A on the plus strand (C>T on the coding strand, the complement: POLG is on the minus strand). VCF-style: chr15-89333271-G-A. GRCh37 (hg19) VCF-style: chr15-89876502-G-A.
Other names: c.484C>T, p.Leu162= (NM_001126131.2).
Identifiers: ClinVar variation 699929 (VCV000699929.18), dbSNP rs375445567, ClinGen allele CA7725108.
Genomic context (GRCh38, chr15:89,333,271, plus strand): 5'-CCTCGGGGCCGTACCGGGTCCAGCCCTCCGCCCAGGCCCAAGCCGGGGGCTTCGGGGGCA[G>A]CTGGGCCTGCAACAGCAAGTTGGCCGCCTCCAGGTAGGGCAGGCTCTGCTTCTGGGCCAG-3'
Protein context (NP_002684.1, residues 152-172): EAANLLLQAQ[Leu162=]PPKPPAWAWA

ClinVar aggregate classification (germline): Conflicting classifications of pathogenicity. Review status: criteria provided, conflicting classifications (1 of 4 stars). 5 submissions from 5 submitters: Uncertain significance (1); Likely benign (3). 1 of the submissions does not count toward it. Last evaluated 2025-08-11.

Conditions:
POLG-related disorder. Also called: POLG-related condition; POLG-Related Disorders; POLG-Related Spectrum Disorders. Identifiers: MedGen C4763519.
Hereditary spastic paraplegia. Also called: Familial spastic paraparesis. Identifiers: Orphanet 685, MedGen C0037773, MONDO:0019064. Disease mechanism: loss of function.
Progressive sclerosing poliodystrophy (MTDPS4A). Also called: ALPERS PROGRESSIVE INFANTILE POLIODYSTROPHY; Mitochondrial DNA Depletion Syndrome 4A; Alpers-Huttenlocher Syndrome (AHS); NEURONAL DEGENERATION OF CHILDHOOD WITH LIVER DISEASE, PROGRESSIVE; Mitochondrial DNA depletion syndrome 4A (Alpers type); Alpers Syndrome. Identifiers: Orphanet 726, MedGen C0205710, MONDO:0008758, OMIM 203700.

Allele frequency attached by ClinVar (database versions not stated): gnomAD exomes 0.00003; ExAC 0.00004; gnomAD 0.00001; TOPMed 0.00002; ESP Exome Variant Server 0.00008.
gnomAD v4.1: 19 of 1,560,246 alleles (0.0012%); highest among the groups gnomAD compares: Non-Finnish European, 0.0014%; no homozygotes.

Submissions (5):

Labcorp Genetics (formerly Invitae), Labcorp
Classification: Likely benign for Progressive sclerosing poliodystrophy. Last evaluated: 2025-08-11. Review status: criteria provided, single submitter. Criteria: Invitae Variant Classification Sherloc (09022015). Collection method: clinical testing. Allele origin: germline.

Blueprint Genetics
Classification: Likely benign. Last evaluated: 2023-09-13. Review status: criteria provided, single submitter. Criteria: ACMG Guidelines, 2015. Collection method: clinical testing. Allele origin: germline.

Genome Diagnostics Laboratory, The Hospital for Sick Children
Classification: Uncertain significance for Hereditary spastic paraplegia. Last evaluated: 2021-03-18. Review status: criteria provided, single submitter. Criteria: ACMG Guidelines, 2015. Collection method: clinical testing. Allele origin: germline. Affected: yes.

GeneDx
Classification: Likely benign. Last evaluated: 2019-08-30. Review status: criteria provided, single submitter. Criteria: GeneDx Variant Classification Process June 2021. Collection method: clinical testing. Allele origin: germline. Affected: yes.

PreventionGenetics, part of Exact Sciences
Classification: Likely benign for POLG-related condition. Last evaluated: 2022-11-15. Review status: no assertion criteria provided. Collection method: clinical testing. Allele origin: germline. Not counted in ClinVar's aggregate classification.
Comment: This variant is classified as likely benign based on ACMG/AMP sequence variant interpretation guidelines (Richards et al. 2015 PMID: 25741868, with internal and published modifications).